The following is an entry in ClinVar:

ClinVar aggregate classification (germline): Conflicting classifications of pathogenicity. Review status: criteria provided, conflicting classifications (1 of 4 stars). 3 submissions from 3 submitters: Uncertain significance (1); Likely benign (2). Last evaluated 2025-11-04.

Conditions:
Gastrointestinal stromal tumor. Also called: Gastrointestinal stroma tumor; Gastrointestinal stromal tumor, somatic. Identifiers: Orphanet 44890, MedGen C0238198, MeSH D046152, MONDO:0011719, OMIM 606764, HP:0100723.
Pheochromocytoma/paraganglioma syndrome 3. Also called: SDHC-Related Hereditary Paraganglioma-Pheochromocytoma Syndrome (Paragangliomas 3); SDHC-Related Hereditary Paraganglioma-Pheochromocytoma Syndrome; Paragangliomas 3; GLOMUS TUMORS, FAMILIAL, 3. Identifiers: Orphanet 29072, MedGen C1854336, MONDO:0011544, OMIM 605373.

Allele frequency attached by ClinVar (database versions not stated): gnomAD exomes below 0.00001 and 0.00001; gnomAD 0.00003 and 0.00004; TOPMed 0.00009.
gnomAD v4.1: 17 of 1,613,530 alleles (0.0011%); highest among the groups gnomAD compares: Admixed American, 0.01%; no homozygotes.

Submissions (3):

Labcorp Genetics (formerly Invitae), Labcorp
Classification: Likely benign for Pheochromocytoma/paraganglioma syndrome 3; Gastrointestinal stromal tumor. Last evaluated: 2025-11-04. Review status: criteria provided, single submitter. Criteria: Invitae Variant Classification Sherloc (09022015). Collection method: clinical testing. Allele origin: germline.

Myriad Genetics, Inc.
Classification: Likely benign for Pheochromocytoma/paraganglioma syndrome 3. Last evaluated: 2025-03-14. Review status: criteria provided, single submitter. Criteria: Myriad Autosomal Dominant, Autosomal Recessive and X-Linked Classification Criteria (2023). Collection method: clinical testing. Allele origin: unknown.
Comment: This variant is considered likely benign. This variant is intronic and is not expected to impact mRNA splicing.

Institute for Clinical Genetics, University Hospital TU Dresden, University Hospital TU Dresden
Classification: Uncertain significance. Last evaluated: 2021-11-03. Review status: criteria provided, single submitter. Criteria: ACMG Guidelines, 2015. Collection method: clinical testing. Allele origin: germline.

NM_003001.5(SDHC):c.242-15T>C

Gene: SDHC (succinate dehydrogenase complex subunit C; plus strand). Cytogenetic location: 1q23.3.
Variant type: single nucleotide variant.
Coding change: c.242-15T>C on transcript NM_003001.5 (MANE Select); 15 bases into the intron before coding-DNA position 242, T replaced by C.
Molecular consequence: intron variant.
Genome position (GRCh38, 1-based): chr1:161,356,662, T>C. VCF-style: chr1-161356662-T-C. GRCh37 (hg19) VCF-style: chr1-161326452-T-C.
Other names: c.131-15T>C (NM_001407119.1, NM_001407120.1); c.362-15T>C (NM_001407115.1); c.242-5667T>C (NM_001035511.3); c.140-15T>C (NM_001035512.3); c.140-5667T>C (NM_001278172.3); c.134-15T>C (NM_001407118.1); c.185-15T>C (NM_001407116.1); c.185-5667T>C (NM_001407121.1); and 2 more.
Identifiers: ClinVar variation 1319168 (VCV001319168.13), dbSNP rs961762320, ClinGen allele CA31433266.